The following is an entry in ClinVar:

ClinVar aggregate classification (germline): Uncertain significance (1 of 4 stars; one submission).

gnomAD v4.1: 16 of 1,564,340 alleles (0.001%); highest among the groups gnomAD compares: Non-Finnish European, 0.0014%; no homozygotes.

Submission:

Mayo Clinic Laboratories, Mayo Clinic
Classification: Uncertain significance. Last evaluated: 2025-11-26. Review status: criteria provided, single submitter. Criteria: ACMG Guidelines, 2015. Collection method: clinical testing. Allele origin: germline. Observed: 1 variant allele.
Comment: BP4, PM2_supporting

NM_001365276.2(TNXB):c.1591G>C (p.Asp531His)

Gene: TNXB (tenascin XB; minus strand). Cytogenetic location: 6p21.33.
Variant type: single nucleotide variant.
Coding change: c.1591G>C on transcript NM_001365276.2 (MANE Select); coding-DNA position 1591, G replaced by C.
Protein change: p.Asp531His; replaces aspartic acid 531 with histidine.
Molecular consequence: missense variant.
Genome position (GRCh38, 1-based): chr6:32,096,262, C>G on the plus strand (G>C on the coding strand, the complement: TNXB is on the minus strand). VCF-style: chr6-32096262-C-G. GRCh37 (hg19) VCF-style: chr6-32064039-C-G.
Other names: p.Asp531His; c.1591G>C, p.Asp531His (NM_001428335.1, NM_019105.8); short protein forms D531H.
Identifiers: ClinVar variation 4541149 (VCV004541149.1).